The following is an entry in ClinVar:

ClinVar aggregate classification (germline): Pathogenic (1 of 4 stars; one submission).

Conditions:
Inborn genetic diseases. Identifiers: MedGen C0950123, MeSH D030342.

Submission:

Ambry Genetics
Classification: Pathogenic for Inborn genetic diseases. Last evaluated: 2024-10-01. Review status: criteria provided, single submitter. Criteria: Ambry Variant Classification Scheme 2023. Collection method: clinical testing. Allele origin: germline.
Comment: The c.2982dupG (p.K995Efs*23) alteration, located in exon 9 (coding exon 7) of the ANKRD11 gene, consists of a duplication of G at position 2982, causing a translational frameshift with a predicted alternate stop codon after 23 amino acids. This alteration is expected to result in loss of function by premature protein truncation or nonsense-mediated mRNA decay. This variant was not reported in population-based cohorts in the Genome Aggregation Database (gnomAD). Based on the available evidence, this alteration is classified as pathogenic.

NM_013275.6(ANKRD11):c.2982dup (p.Lys995fs)

Gene: ANKRD11 (ankyrin repeat domain containing 11; minus strand). Cytogenetic location: 16q24.3.
Variant type: Duplication.
Coding change: c.2982dup on transcript NM_013275.6 (MANE Select); coding-DNA position 2982, one base duplicated (G; older notation c.2982dupG).
Protein change: p.Lys995fs; shifts the reading frame from lysine 995.
Molecular consequence: frameshift variant.
Genome position (GRCh38, 1-based): chr16:89,283,560, C duplicated on the plus strand (G on the coding strand, the reverse complement: ANKRD11 is on the minus strand); the first of 3 consecutive C bases (chr16:89,283,560-89,283,562); duplicating any one gives the same sequence. VCF-style (leftmost placement, unchanged base first): chr16-89283559-T-TC. GRCh37 (hg19) VCF-style: chr16-89349967-T-TC.
Other names: c.2982dup, p.Lys995fs (NM_001256182.2, NM_001256183.2); short protein forms K995fs.
Identifiers: ClinVar variation 3543617 (VCV003543617.1).
Genomic context (GRCh38, chr16:89,283,559, plus strand): 5'-GGCCATCCTTCTTCTCCTTCTCTCGTGCTGGGTGGTGCCGTTCCCACGGCTCCAGGCCCT[T>TC]CCCAAAGTCGCCGTCGGACTTGTCCTTGAAGCCACTCTCGCAGCCACACTCCTTCAGCTC-3'